The following is an entry in ClinVar:

NM_000368.5(TSC1):c.148C>G (p.Leu50Val)

Gene: TSC1 (TSC complex subunit 1; minus strand). Cytogenetic location: 9q34.13.
Variant type: single nucleotide variant.
Coding change: c.148C>G on transcript NM_000368.5 (MANE Select); coding-DNA position 148, C replaced by G.
Protein change: p.Leu50Val; replaces leucine 50 with valine.
Molecular consequence: missense variant. On other transcripts: intron variant (1).
Genome position (GRCh38, 1-based): chr9:132,927,263, G>C on the plus strand (C>G on the coding strand, the complement: TSC1 is on the minus strand). VCF-style: chr9-132927263-G-C. GRCh37 (hg19) VCF-style: chr9-135802650-G-C.
Other names: c.148C>G, p.Leu50Val (NM_001162426.2, NM_001162427.2); c.-154+1504C>G (NM_001362177.2); short protein forms L50V.
Identifiers: ClinVar variation 1408266 (VCV001408266.10), dbSNP rs2132268675, ClinGen allele CA375375151.

ClinVar aggregate classification (germline): Uncertain significance. Review status: criteria provided, multiple submitters, no conflicts (2 of 4 stars). 2 submissions from 2 submitters: Uncertain significance (2). Last evaluated 2022-09-28.

Conditions:
Hereditary cancer-predisposing syndrome. Also called: Neoplastic Syndromes, Hereditary; Hereditary neoplastic syndrome; Hereditary Cancer Syndrome; Tumor predisposition. Identifiers: Orphanet 140162, MedGen C0027672, MeSH D009386, MONDO:0015356.
Tuberous sclerosis 1 (TSC1). Identifiers: Orphanet 805, MedGen C1854465, MONDO:0008612, OMIM 191100.

Submissions (2):

Ambry Genetics
Classification: Uncertain significance for Hereditary cancer-predisposing syndrome. Last evaluated: 2022-09-28. Review status: criteria provided, single submitter. Criteria: Ambry Variant Classification Scheme 2023. Collection method: clinical testing. Allele origin: germline.
Comment: The p.L50V variant (also known as c.148C>G), located in coding exon 2 of the TSC1 gene, results from a C to G substitution at nucleotide position 148. The leucine at codon 50 is replaced by valine, an amino acid with highly similar properties. This amino acid position is conserved. In addition, the in silico prediction for this alteration is inconclusive. Since supporting evidence is limited at this time, the clinical significance of this alteration remains unclear.

Labcorp Genetics (formerly Invitae), Labcorp
Classification: Uncertain significance for Tuberous sclerosis 1. Last evaluated: 2021-02-11. Review status: criteria provided, single submitter. Criteria: Invitae Variant Classification Sherloc (09022015). Collection method: clinical testing. Allele origin: germline.
Comment: In summary, the available evidence is currently insufficient to determine the role of this variant in disease. Therefore, it has been classified as a Variant of Uncertain Significance. Algorithms developed to predict the effect of missense changes on protein structure and function are either unavailable or do not agree on the potential impact of this missense change (SIFT: "Deleterious"; PolyPhen-2: "Benign"; Align-GVGD: "Class C0"). This variant has not been reported in the literature in individuals with TSC1-related conditions. This variant is not present in population databases (ExAC no frequency). This sequence change replaces leucine with valine at codon 50 of the TSC1 protein (p.Leu50Val). The leucine residue is highly conserved and there is a small physicochemical difference between leucine and valine.